The following is an entry in ClinVar:

NM_080680.3(COL11A2):c.4100T>C (p.Leu1367Pro)

Gene: COL11A2 (collagen type XI alpha 2 chain; minus strand). Cytogenetic location: 6p21.32.
Variant type: single nucleotide variant.
Coding change: c.4100T>C on transcript NM_080680.3 (MANE Select); coding-DNA position 4100, T replaced by C.
Protein change: p.Leu1367Pro; replaces leucine 1367 with proline.
Molecular consequence: missense variant.
Genome position (GRCh38, 1-based): chr6:33,167,448, A>G on the plus strand (T>C on the coding strand, the complement: COL11A2 is on the minus strand). VCF-style: chr6-33167448-A-G. GRCh37 (hg19) VCF-style: chr6-33135225-A-G.
Other names: c.3920T>C, p.Leu1307Pro (NM_001424108.1); c.3254T>C, p.Leu1085Pro (NM_001424109.1); c.3074T>C, p.Leu1025Pro (NM_001424110.1, NM_001424111.1); c.2054T>C, p.Leu685Pro (NM_001424112.1); c.3779T>C, p.Leu1260Pro (NM_080679.3); c.3842T>C, p.Leu1281Pro (NM_080681.3); short protein forms L1025P, L1085P, L1260P, L1281P, L1307P, L1367P, L685P.
Identifiers: ClinVar variation 4796866 (VCV004796866.1).

ClinVar aggregate classification (germline): Uncertain significance (1 of 4 stars; one submission).

gnomAD v4.1: 5 of 1,612,634 alleles (0.00031%); highest among the groups gnomAD compares: Non-Finnish European, 0.00042%; no homozygotes.

Submission:

Labcorp Genetics (formerly Invitae), Labcorp
Classification: Uncertain significance. Last evaluated: 2026-01-12. Review status: criteria provided, single submitter. Criteria: Invitae Variant Classification Sherloc (09022015). Collection method: clinical testing. Allele origin: germline.
Comment: This sequence change replaces leucine, which is neutral and non-polar, with proline, which is neutral and non-polar, at codon 1367 of the COL11A2 protein (p.Leu1367Pro). This variant is present in population databases (rs772910810, gnomAD 0.0009%). This variant has not been reported in the literature in individuals affected with COL11A2-related conditions. Invitae Evidence Modeling of protein sequence and biophysical properties (such as structural, functional, and spatial information, amino acid conservation, physicochemical variation, residue mobility, and thermodynamic stability) indicates that this missense variant is not expected to disrupt COL11A2 protein function with a negative predictive value of 95%. In summary, the available evidence is currently insufficient to determine the role of this variant in disease. Therefore, it has been classified as a Variant of Uncertain Significance.